The following is an entry in ClinVar:

NM_000218.3(KCNQ1):c.1394-10092T>G

Genes: KCNQ1 (potassium voltage-gated channel subfamily Q member 1; plus strand), KCNQ1OT1 (KCNQ1 opposite strand/antisense transcript 1; minus strand). Cytogenetic location: 11p15.5.
Variant type: single nucleotide variant.
Coding change: c.1394-10092T>G on transcript NM_000218.3 (MANE Select); 10092 bases into the intron before coding-DNA position 1394, T replaced by G.
Molecular consequence: intron variant.
Genome position (GRCh38, 1-based): chr11:2,651,869, T>G. VCF-style: chr11-2651869-T-G. GRCh37 (hg19) VCF-style: chr11-2673099-T-G.
Other names: c.1124-10092T>G (NM_001406837.1); c.1298-10092T>G (NM_001406836.1); c.854-10092T>G (NM_001406838.1); c.1013-10092T>G (NM_181798.2).
Identifiers: ClinVar variation 1711290 (VCV001711290.30), dbSNP rs369696917, ClinGen allele CA216163459.

ClinVar aggregate classification (germline): Benign (1 of 4 stars; one submission).

Allele frequency attached by ClinVar (database versions not stated): gnomAD exomes 0.00007; 1000 Genomes Project 30x 0.00078; 1000 Genomes Project 0.00080.
gnomAD v4.1: 34 of 398,654 alleles (0.0085%); highest among the groups gnomAD compares: South Asian, 0.38%; 1 homozygote.

Submission:

CeGaT Center for Human Genetics Tuebingen
Classification: Benign. Last evaluated: 2022-09-01. Review status: criteria provided, single submitter. Criteria: CeGaT Center For Human Genetics Tuebingen Variant Classification Criteria Version 2. Collection method: clinical testing. Allele origin: germline. Affected: yes. Observed: 1 variant allele.
Comment: KCNQ1OT1: BS1, BS2